The following is an entry in ClinVar:

NM_015512.5(DNAH1):c.6095C>T (p.Pro2032Leu)

Gene: DNAH1 (dynein axonemal heavy chain 1; plus strand). Cytogenetic location: 3p21.1.
Variant type: single nucleotide variant.
Coding change: c.6095C>T on transcript NM_015512.5 (MANE Select); coding-DNA position 6095, C replaced by T.
Protein change: p.Pro2032Leu; replaces proline 2032 with leucine.
Molecular consequence: missense variant.
Genome position (GRCh38, 1-based): chr3:52,369,976, C>T. VCF-style: chr3-52369976-C-T. GRCh37 (hg19) VCF-style: chr3-52403992-C-T.
Other names: short protein forms P2032L.
Identifiers: ClinVar variation 544598 (VCV000544598.4), dbSNP rs199808005, ClinGen allele CA2434410.

ClinVar aggregate classification (germline): Uncertain significance (1 of 4 stars; one submission).

Conditions:
Spermatogenic failure 18. Identifiers: MedGen C4539783, MONDO:0054615, OMIM 617576.
Ciliary dyskinesia, primary, 37 (CILD37). Also called: CILIARY DYSKINESIA, PRIMARY, 37, WITH OR WITHOUT SITUS INVERSUS. Identifiers: MedGen C4539798, MONDO:0033204, OMIM 617577.

Allele frequency attached by ClinVar (database versions not stated): gnomAD 0.00009 and 0.00011; TOPMed 0.00009; ESP Exome Variant Server 0.00016.
gnomAD v4.1: 258 of 1,613,764 alleles (0.016%); highest among the groups gnomAD compares: Non-Finnish European, 0.021%; no homozygotes.

Submission:

Labcorp Genetics (formerly Invitae), Labcorp
Classification: Uncertain significance for Ciliary dyskinesia, primary, 37; Spermatogenic failure 18. Last evaluated: 2024-01-06. Review status: criteria provided, single submitter. Criteria: Invitae Variant Classification Sherloc (09022015). Collection method: clinical testing. Allele origin: germline.
Comment: This sequence change replaces proline, which is neutral and non-polar, with leucine, which is neutral and non-polar, at codon 2032 of the DNAH1 protein (p.Pro2032Leu). This variant is present in population databases (rs199808005, gnomAD 0.009%). This variant has not been reported in the literature in individuals affected with DNAH1-related conditions. ClinVar contains an entry for this variant (Variation ID: 544598). An algorithm developed to predict the effect of missense changes on protein structure and function (PolyPhen-2) suggests that this variant¬†is likely to be tolerated. In summary, the available evidence is currently insufficient to determine the role of this variant in disease. Therefore, it has been classified as a Variant of Uncertain Significance.